The following is an entry in ClinVar:

ClinVar aggregate classification (germline): Pathogenic (1 of 4 stars; one submission).

Conditions:
Familial thoracic aortic aneurysm and aortic dissection (TAAD). Also called: Thoracic aortic aneurysms and dissections. Identifiers: Orphanet 91387, MedGen C4707243, MONDO:0019625.

Submission:

Labcorp Genetics (formerly Invitae), Labcorp
Classification: Pathogenic for Familial thoracic aortic aneurysm and aortic dissection. Last evaluated: 2025-12-29. Review status: criteria provided, single submitter. Criteria: Invitae Variant Classification Sherloc (09022015). Collection method: clinical testing. Allele origin: germline.
Comment: This sequence change replaces tryptophan, which is neutral and slightly polar, with cysteine, which is neutral and slightly polar, at codon 92 of the SMAD3 protein (p.Trp92Cys). This variant is not present in population databases (gnomAD no frequency). This missense change has been observed in individual(s) with SMAD3-related conditions (internal data). It has also been observed to segregate with disease in related individuals. ClinVar contains an entry for this variant (Variation ID: 2126622). Invitae Evidence Modeling of protein sequence and biophysical properties (such as structural, functional, and spatial information, amino acid conservation, physicochemical variation, residue mobility, and thermodynamic stability) indicates that this missense variant is expected to disrupt SMAD3 protein function with a positive predictive value of 80%. For these reasons, this variant has been classified as Pathogenic.

NM_005902.4(SMAD3):c.276G>C (p.Trp92Cys)

Gene: SMAD3 (SMAD family member 3; plus strand). Cytogenetic location: 15q22.33.
Variant type: single nucleotide variant.
Coding change: c.276G>C on transcript NM_005902.4 (MANE Select); coding-DNA position 276, G replaced by C.
Protein change: p.Trp92Cys; replaces tryptophan 92 with cysteine.
Molecular consequence: missense variant. On other transcripts: 5 prime UTR variant (1).
Genome position (GRCh38, 1-based): chr15:67,164,964, G>C. VCF-style: chr15-67164964-G-C. GRCh37 (hg19) VCF-style: chr15-67457302-G-C.
Other names: c.-40G>C (NM_001145102.2, NM_001407015.1, NM_001407016.1); c.144G>C, p.Trp48Cys (NM_001145103.2); c.276G>C, p.Trp92Cys (NM_001407011.1, NM_001407012.1, NM_001407013.1); c.129G>C, p.Trp43Cys (NM_001407014.1); short protein forms W92C, W43C, W48C.
Identifiers: ClinVar variation 2126622 (VCV002126622.4), dbSNP rs2140293906, ClinGen allele CA392953900.